The following is an entry in ClinVar:

NM_004360.5(CDH1):c.1918A>G (p.Ile640Val)

Gene: CDH1 (cadherin 1; plus strand). Cytogenetic location: 16q22.1.
Variant type: single nucleotide variant.
Coding change: c.1918A>G on transcript NM_004360.5 (MANE Select); coding-DNA position 1918, A replaced by G.
Protein change: p.Ile640Val; replaces isoleucine 640 with valine.
Molecular consequence: missense variant. On other transcripts: 5 prime UTR variant (1).
Genome position (GRCh38, 1-based): chr16:68,822,207, A>G. VCF-style: chr16-68822207-A-G. GRCh37 (hg19) VCF-style: chr16-68856110-A-G.
Other names: c.1735A>G, p.Ile579Val (NM_001317184.2); c.370A>G, p.Ile124Val (NM_001317185.2); c.-48A>G (NM_001317186.2); short protein forms I124V, I579V, I640V.
Identifiers: ClinVar variation 2830896 (VCV002830896.3), dbSNP rs2152138592, ClinGen allele CA396467249.
Genomic context (GRCh38, chr16:68,822,207, plus strand): 5'-CCTCCCAATACATCTCCCTTCACAGCAGAACTAACACACGGGGCGAGTGCCAACTGGACC[A>G]TTCAGTACAACGACCCAAGTGGGTACCTGAGTTTTATTTTGGCAACTTTGCTCCAACTGC-3'
Protein context (NP_004351.1, residues 630-650): LTHGASANWT[Ile640Val]QYNDPTQESI

ClinVar aggregate classification (germline): Uncertain significance (1 of 4 stars; one submission).

Conditions:
Hereditary diffuse gastric adenocarcinoma (HDGC). Also called: DIFFUSE GASTRIC AND LOBULAR BREAST CANCER SYNDROME. Identifiers: Orphanet 26106, MedGen C1708349, MONDO:0007648, OMIM 137215.

Submission:

Labcorp Genetics (formerly Invitae), Labcorp
Classification: Uncertain significance for Hereditary diffuse gastric adenocarcinoma. Last evaluated: 2025-11-10. Review status: criteria provided, single submitter. Criteria: Invitae Variant Classification Sherloc (09022015). Collection method: clinical testing. Allele origin: germline.
Comment: This sequence change replaces isoleucine, which is neutral and non-polar, with valine, which is neutral and non-polar, at codon 640 of the CDH1 protein (p.Ile640Val). This variant is not present in population databases (gnomAD no frequency). This variant has not been reported in the literature in individuals affected with CDH1-related conditions. ClinVar contains an entry for this variant (Variation ID: 2830896). An algorithm developed to predict the effect of missense changes on protein structure and function outputs the following: PolyPhen-2: "Benign". The valine amino acid residue is found in multiple mammalian species, which suggests that this missense change does not adversely affect protein function. In summary, the available evidence is currently insufficient to determine the role of this variant in disease. Therefore, it has been classified as a Variant of Uncertain Significance.